The following is an entry in ClinVar:

ClinVar aggregate classification (germline): Conflicting classifications of pathogenicity. Review status: criteria provided, conflicting classifications (1 of 4 stars). 2 submissions from 2 submitters: Uncertain significance (1); Likely benign (1). Last evaluated 2024-01-22.

Conditions:
Primary ciliary dyskinesia. Also called: Ciliary dyskinesia. Identifiers: Orphanet 244, MedGen C0008780, MONDO:0016575, HP:0012265.

gnomAD v4.1: 16 of 1,614,168 alleles (0.00099%); highest among the groups gnomAD compares: Admixed American, 0.0033%; no homozygotes.

Submissions (2):

Labcorp Genetics (formerly Invitae), Labcorp
Classification: Likely benign for Primary ciliary dyskinesia. Last evaluated: 2024-01-22. Review status: criteria provided, single submitter. Criteria: Invitae Variant Classification Sherloc (09022015). Collection method: clinical testing. Allele origin: germline.

Ambry Genetics
Classification: Uncertain significance for Primary ciliary dyskinesia. Last evaluated: 2023-06-05. Review status: criteria provided, single submitter. Criteria: Ambry Variant Classification Scheme 2023. Collection method: clinical testing. Allele origin: germline.
Comment: The p.V3326I variant (also known as c.9976G>A), located in coding exon 59 of the DNAH5 gene, results from a G to A substitution at nucleotide position 9976. The valine at codon 3326 is replaced by isoleucine, an amino acid with highly similar properties. This amino acid position is highly conserved in available vertebrate species. In addition, the in silico prediction for this alteration is inconclusive. Since supporting evidence is limited at this time, the clinical significance of this alteration remains unclear.

NM_001369.3(DNAH5):c.9976G>A (p.Val3326Ile)

Gene: DNAH5 (dynein axonemal heavy chain 5; minus strand). Cytogenetic location: 5p15.2.
Variant type: single nucleotide variant.
Coding change: c.9976G>A on transcript NM_001369.3 (MANE Select); coding-DNA position 9976, G replaced by A.
Protein change: p.Val3326Ile; replaces valine 3326 with isoleucine.
Molecular consequence: missense variant.
Genome position (GRCh38, 1-based): chr5:13,766,101, C>T on the plus strand (G>A on the coding strand, the complement: DNAH5 is on the minus strand). VCF-style: chr5-13766101-C-T. GRCh37 (hg19) VCF-style: chr5-13766210-C-T.
Other names: short protein forms V3326I.
Identifiers: ClinVar variation 1398711 (VCV001398711.11), dbSNP rs149452082, ClinGen allele CA3202361.